The following is an entry in ClinVar:

NM_007186.6(CEP250):c.2374G>T (p.Val792Phe)

Genes: CEP250 (centrosomal protein 250; plus strand), CEP250-AS1 (CEP250 antisense RNA 1; minus strand). Cytogenetic location: 20q11.22.
Variant type: single nucleotide variant.
Coding change: c.2374G>T on transcript NM_007186.6 (MANE Select); coding-DNA position 2374, G replaced by T.
Protein change: p.Val792Phe; replaces valine 792 with phenylalanine.
Molecular consequence: missense variant.
Genome position (GRCh38, 1-based): chr20:35,479,731, G>T. VCF-style: chr20-35479731-G-T. GRCh37 (hg19) VCF-style: chr20-34067556-G-T.
Other names: c.478G>T, p.Val160Phe (NM_001318219.1); short protein forms V160F, V792F.
Identifiers: ClinVar variation 3687474 (VCV003687474.2).
Genomic context (GRCh38, chr20:35,479,731, plus strand): 5'-AGTCTGTTTGAAGCCCAACAACAAAATTCTGTGATAGAGGTCACCAAGGGGCAGCTGGAG[G>T]TCCAGATTCAAACTGTCACTCAAGCCAAGGAAGTAATCCAAGGTGAGAACCCAACTGGGA-3'
Protein context (NP_009117.2, residues 782-802): VIEVTKGQLE[Val792Phe]QIQTVTQAKE

ClinVar aggregate classification (germline): Uncertain significance (1 of 4 stars; one submission).

gnomAD v4.1: 5 of 1,614,072 alleles (0.00031%); highest among the groups gnomAD compares: African/African-American, 0.0053%; no homozygotes.

Submission:

Labcorp Genetics (formerly Invitae), Labcorp
Classification: Uncertain significance. Last evaluated: 2024-08-01. Review status: criteria provided, single submitter. Criteria: Invitae Variant Classification Sherloc (09022015). Collection method: clinical testing. Allele origin: germline.
Comment: This sequence change replaces valine, which is neutral and non-polar, with phenylalanine, which is neutral and non-polar, at codon 792 of the CEP250 protein (p.Val792Phe). This variant is not present in population databases (gnomAD no frequency). This variant has not been reported in the literature in individuals affected with CEP250-related conditions. An algorithm developed to predict the effect of missense changes on protein structure and function (PolyPhen-2) suggests that this variant is likely to be disruptive. In summary, the available evidence is currently insufficient to determine the role of this variant in disease. Therefore, it has been classified as a Variant of Uncertain Significance.